The following is an entry in ClinVar:

ClinVar aggregate classification (germline): Uncertain significance (1 of 4 stars; one submission).

Allele frequency attached by ClinVar (database versions not stated): ExAC 0.00001; gnomAD 0.00001; gnomAD exomes 0.00001; TOPMed 0.00001.
gnomAD v4.1: 16 of 1,591,536 alleles (0.001%); highest among the groups gnomAD compares: Admixed American, 0.0017%; no homozygotes.

Submission:

Ambry Genetics
Classification: Uncertain significance. Last evaluated: 2025-08-09. Review status: criteria provided, single submitter. Criteria: Ambry Variant Classification Scheme 2023. Collection method: clinical testing. Allele origin: germline.
Comment: The p.R1107K variant (also known as c.3320G>A), located in coding exon 20 of the PKP4 gene, results from a G to A substitution at nucleotide position 3320. The arginine at codon 1107 is replaced by lysine, an amino acid with highly similar properties. This amino acid position is conserved. In addition, the in silico prediction for this alteration is inconclusive. Since supporting evidence is limited at this time, the clinical significance of this alteration remains unclear.

NM_003628.6(PKP4):c.3320G>A (p.Arg1107Lys)

Genes: PKP4 (plakophilin 4; plus strand), PKP4-AS1 (PKP4 antisense RNA 1; minus strand). Cytogenetic location: 2q24.1.
Variant type: single nucleotide variant.
Coding change: c.3320G>A on transcript NM_003628.6 (MANE Select); coding-DNA position 3320, G replaced by A.
Protein change: p.Arg1107Lys; replaces arginine 1107 with lysine.
Molecular consequence: missense variant.
Genome position (GRCh38, 1-based): chr2:158,678,644, G>A. VCF-style: chr2-158678644-G-A. GRCh37 (hg19) VCF-style: chr2-159535156-G-A.
Other names: c.3191G>A, p.Arg1064Lys (NM_001005476.4, NM_001377225.1); c.3317G>A, p.Arg1106Lys (NM_001304969.3, NM_001377219.1, NM_001377220.1 and 1 more transcripts); c.2291G>A, p.Arg764Lys (NM_001304970.3); c.3320G>A, p.Arg1107Lys (NM_001377218.1); c.3314G>A, p.Arg1105Lys (NM_001377222.1, NM_001377223.1); c.3311G>A, p.Arg1104Lys (NM_001377224.1); c.3188G>A, p.Arg1063Lys (NM_001377226.1); short protein forms R1063K, R764K, R1064K, R1104K, R1107K, R1105K, R1106K.
Identifiers: ClinVar variation 1730197 (VCV001730197.4), dbSNP rs756888921, ClinGen allele CA1921308.
Genomic context (GRCh38, chr2:158,678,644, plus strand): 5'-CCAGCAAACCTTCACCAATTTACATCAGTTCCTATTCCTCACCAGCAAGAGAACAAAATA[G>A]ACGGCTACAGGTGAATTTGCAATATCATTTTTACAGAAGGCTGATTAGCAGTTAACACAG-3'
Protein context (NP_003619.2, residues 1097-1117): SYSSPAREQN[Arg1107Lys]RLQHQQLYYS